The following is an entry in ClinVar:

NM_005094.4(SLC27A4):c.1784A>G (p.Lys595Arg)

Gene: SLC27A4 (solute carrier family 27 member 4; plus strand). Cytogenetic location: 9q34.11.
Variant type: single nucleotide variant.
Coding change: c.1784A>G on transcript NM_005094.4 (MANE Select); coding-DNA position 1784, A replaced by G.
Protein change: p.Lys595Arg; replaces lysine 595 with arginine.
Molecular consequence: missense variant.
Genome position (GRCh38, 1-based): chr9:128,360,343, A>G. VCF-style: chr9-128360343-A-G. GRCh37 (hg19) VCF-style: chr9-131122622-A-G.
Other names: short protein forms K595R.
Identifiers: ClinVar variation 4807966 (VCV004807966.1).

ClinVar aggregate classification (germline): Uncertain significance (1 of 4 stars; one submission).

gnomAD v4.1: 4 of 1,613,830 alleles (0.00025%); highest among the groups gnomAD compares: African/African-American, 0.0053%; no homozygotes.

Submission:

Labcorp Genetics (formerly Invitae), Labcorp
Classification: Uncertain significance. Last evaluated: 2025-08-12. Review status: criteria provided, single submitter. Criteria: Invitae Variant Classification Sherloc (09022015). Collection method: clinical testing. Allele origin: germline.
Comment: This sequence change replaces lysine, which is basic and polar, with arginine, which is basic and polar, at codon 595 of the SLC27A4 protein (p.Lys595Arg). This variant is present in population databases (rs759020646, gnomAD 0.007%). This variant has not been reported in the literature in individuals affected with SLC27A4-related conditions. Invitae Evidence Modeling of protein sequence and biophysical properties (such as structural, functional, and spatial information, amino acid conservation, physicochemical variation, residue mobility, and thermodynamic stability) indicates that this missense variant is not expected to disrupt SLC27A4 protein function with a negative predictive value of 80%. In summary, the available evidence is currently insufficient to determine the role of this variant in disease. Therefore, it has been classified as a Variant of Uncertain Significance.